The following is an entry in ClinVar:

NM_000257.4(MYH7):c.1956+1G>A

Gene: MYH7 (myosin heavy chain 7; minus strand). Cytogenetic location: 14q11.2.
Variant type: single nucleotide variant.
Coding change: c.1956+1G>A on transcript NM_000257.4 (MANE Select); the canonical splice donor site of the intron after coding-DNA position 1956, G replaced by A.
Molecular consequence: splice donor variant.
Genome position (GRCh38, 1-based): chr14:23,427,239, C>T on the plus strand (G>A on the coding strand, the complement: MYH7 is on the minus strand). VCF-style: chr14-23427239-C-T. GRCh37 (hg19) VCF-style: chr14-23896448-C-T.
Other names: c.1956+1G>A (NM_001407004.1, NM_000257.2).
Identifiers: ClinVar variation 848878 (VCV000848878.8), dbSNP rs1555338074, ClinGen allele CA389049456.

ClinVar aggregate classification (germline): Uncertain significance. Review status: criteria provided, multiple submitters, no conflicts (2 of 4 stars). 4 submissions from 4 submitters: Uncertain significance (4). Last evaluated 2023-05-16.

Conditions:
Cardiomyopathy (CMYO). Also called: Cardiomyopathies. Identifiers: Orphanet 167848, MedGen C0878544, MONDO:0004994, HP:0001638. Inheritance: Various modes of inheritance.
Hypertrophic cardiomyopathy. Also called: HYPERTROPHIC MYOCARDIOPATHY. Identifiers: Orphanet 217569, MedGen C0007194, MeSH D002312, MONDO:0005045, HP:0001639.

Submissions (4):

All of Us Research Program, National Institutes of Health
Classification: Uncertain significance for Cardiomyopathy. Last evaluated: 2023-05-16. Review status: criteria provided, single submitter. Criteria: ACMG Guidelines, 2015. Collection method: clinical testing. Allele origin: germline. Inheritance: Autosomal dominant inheritance. Observed: 1 variant allele, 1 heterozygote.
Comment: This variant causes a G to A nucleotide substitution at the +1 position of intron 17 of the MYH7 gene. Splice site prediction tools predict that this variant may have a significant impact on RNA splicing. Although this prediction has not been confirmed in published RNA studies, this variant is expected to result in an absent or disrupted protein product. To our knowledge, functional studies have not been reported for this variant. This variant has not been reported in individuals affected with MYH7-related disorders in the literature. This variant has not been identified in the general population by the Genome Aggregation Database (gnomAD). Clinical relevance of loss-of-function MYH7 splice and truncation variants in autosomal dominant cardiovascular disorders is not clearly established. The available evidence is insufficient to determine the role of this variant in disease conclusively. Therefore, this variant is classified as a Variant of Uncertain Significance.

This study involves interpretation of variants in research participants for the purpose of population health screening. Participant phenotype was not available at the time of variant classification. Additional details can be found in publication PMID: 35346344, PMCID: PMC8962531

Color Diagnostics, LLC DBA Color Health
Classification: Uncertain significance for Cardiomyopathy. Last evaluated: 2023-05-04. Review status: criteria provided, single submitter. Criteria: ACMG Guidelines, 2015. Collection method: clinical testing. Allele origin: germline.
Comment: This variant causes a G to A nucleotide substitution at the +1 position of intron 17 of the MYH7 gene. Splice site prediction tools predict that this variant may have a significant impact on RNA splicing. Although this prediction has not been confirmed in published RNA studies, this variant is expected to result in an absent or disrupted protein product. To our knowledge, functional studies have not been reported for this variant. This variant has not been reported in individuals affected with MYH7-related disorders in the literature. This variant has not been identified in the general population by the Genome Aggregation Database (gnomAD). Clinical relevance of loss-of-function MYH7 splice and truncation variants in autosomal dominant cardiovascular disorders is not clearly established. The available evidence is insufficient to determine the role of this variant in disease conclusively. Therefore, this variant is classified as a Variant of Uncertain Significance.

CHEO Genetics Diagnostic Laboratory, Children's Hospital of Eastern Ontario
Classification: Uncertain significance for Cardiomyopathy. Last evaluated: 2023-03-03. Review status: criteria provided, single submitter. Criteria: ACMG Guidelines, 2015. Collection method: clinical testing. Allele origin: germline.

Labcorp Genetics (formerly Invitae), Labcorp
Classification: Uncertain significance for Hypertrophic cardiomyopathy. Last evaluated: 2019-03-18. Review status: criteria provided, single submitter. Criteria: Invitae Variant Classification Sherloc (09022015). Collection method: clinical testing. Allele origin: germline.
Comment: This sequence change affects a donor splice site in intron 17 of the MYH7 gene. It is expected to disrupt RNA splicing and likely results in an absent or disrupted protein product. This variant is not present in population databases (ExAC no frequency). This variant has not been reported in the literature in individuals with MYH7-related conditions. Algorithms developed to predict the effect of sequence changes on RNA splicing suggest that this variant may disrupt the consensus splice site, but this prediction has not been confirmed by published transcriptional studies. The current clinical and genetic evidence is not sufficient to establish whether loss-of-function variants in MYH7 cause disease. In summary, the available evidence is currently insufficient to determine the role of this variant in disease. Therefore, it has been classified as a Variant of Uncertain Significance.